The following is an entry in ClinVar:

NM_144670.6(A2ML1):c.1538-6T>C

Gene: A2ML1 (alpha-2-macroglobulin like 1; plus strand). Cytogenetic location: 12p13.31.
Variant type: single nucleotide variant.
Coding change: c.1538-6T>C on transcript NM_144670.6 (MANE Select); 6 bases into the intron before coding-DNA position 1538, T replaced by C.
Molecular consequence: intron variant.
Genome position (GRCh38, 1-based): chr12:8,846,071, T>C. VCF-style: chr12-8846071-T-C. GRCh37 (hg19) VCF-style: chr12-8998667-T-C.
Other names: c.1538-6T>C (NM_144670.5); c.65-6T>C (NM_001282424.3).
Identifiers: ClinVar variation 699629 (VCV000699629.10), dbSNP rs1444764339, ClinGen allele CA603216497.

ClinVar aggregate classification (germline): Likely benign. Review status: criteria provided, single submitter (1 of 4 stars). 2 submissions from 2 submitters: Likely benign (1). 1 of the submissions does not count toward it. Last evaluated 2025-08-24.

Conditions:
A2ML1-related disorder. Also called: A2ML1-related condition.

Allele frequency attached by ClinVar (database versions not stated): gnomAD exomes 0.00001 and 0.00002; TOPMed 0.00003.
gnomAD v4.1: 4 of 1,614,066 alleles (0.00025%); highest among the groups gnomAD compares: Admixed American, 0.005%; no homozygotes.

Submissions (2):

Labcorp Genetics (formerly Invitae), Labcorp
Classification: Likely benign. Last evaluated: 2025-08-24. Review status: criteria provided, single submitter. Criteria: Invitae Variant Classification Sherloc (09022015). Collection method: clinical testing. Allele origin: germline.

PreventionGenetics, part of Exact Sciences
Classification: Likely benign for A2ML1-related condition. Last evaluated: 2024-02-27. Review status: no assertion criteria provided. Collection method: clinical testing. Allele origin: germline. Not counted in ClinVar's aggregate classification.
Comment: This variant is classified as likely benign based on ACMG/AMP sequence variant interpretation guidelines (Richards et al. 2015 PMID: 25741868, with internal and published modifications).